The following is an entry in ClinVar:

NM_000395.3(CSF2RB):c.1879del (p.Glu627fs)

Gene: CSF2RB (colony stimulating factor 2 receptor subunit beta; plus strand). Cytogenetic location: 22q12.3.
Variant type: Deletion.
Coding change: c.1879del on transcript NM_000395.3 (MANE Select); coding-DNA position 1879, one base deleted (G; older notation c.1879delG).
Protein change: p.Glu627fs; shifts the reading frame from glutamic acid 627.
Molecular consequence: frameshift variant.
Genome position (GRCh38, 1-based): chr22:36,937,687, G deleted; the last of 2 consecutive G bases (chr22:36,937,686-36,937,687); deleting either gives the same sequence. VCF-style (leftmost placement, unchanged base first): chr22-36937685-TG-T. GRCh37 (hg19) VCF-style: chr22-37333727-TG-T.
Other names: c.1897delG, p.Glu633Serfs (NM_001410827.1); short protein forms E627fs.
Identifiers: ClinVar variation 2036357 (VCV002036357.4), dbSNP rs2518008924, ClinGen allele CA2580099769.
Genomic context (GRCh38, chr22:36,937,685, plus strand): 5'-TGGGCCAGCCGGAGCCCCCACAGGAGGGTGGGAGCCAGAAGTCCCCACCTCCAGGGTCCC[TG>T]GAGTACCTGTGTCTGCCTGCTGGGGGGCAGGTGCAACTGGTCCCTCTGGCCCAGGCGATG-3'

ClinVar aggregate classification (germline): Uncertain significance (1 of 4 stars; one submission).

Submission:

Labcorp Genetics (formerly Invitae), Labcorp
Classification: Uncertain significance. Last evaluated: 2022-10-20. Review status: criteria provided, single submitter. Criteria: Invitae Variant Classification Sherloc (09022015). Collection method: clinical testing. Allele origin: germline.
Comment: This sequence change creates a premature translational stop signal (p.Glu627Serfs*71) in the CSF2RB gene. While this is not anticipated to result in nonsense mediated decay, it is expected to disrupt the last 271 amino acid(s) of the CSF2RB protein. This variant is not present in population databases (gnomAD no frequency). In summary, the available evidence is currently insufficient to determine the role of this variant in disease. Therefore, it has been classified as a Variant of Uncertain Significance. Experimental studies and prediction algorithms are not available or were not evaluated, and the functional significance of this variant is currently unknown. This variant has not been reported in the literature in individuals affected with CSF2RB-related conditions.